The following is an entry in ClinVar:

NM_004655.4(AXIN2):c.2429A>G (p.Asp810Gly)

Gene: AXIN2 (axin 2; minus strand). Cytogenetic location: 17q24.1.
Variant type: single nucleotide variant.
Coding change: c.2429A>G on transcript NM_004655.4 (MANE Select); coding-DNA position 2429, A replaced by G.
Protein change: p.Asp810Gly; replaces aspartic acid 810 with glycine.
Molecular consequence: missense variant.
Genome position (GRCh38, 1-based): chr17:65,530,079, T>C on the plus strand (A>G on the coding strand, the complement: AXIN2 is on the minus strand). VCF-style: chr17-65530079-T-C. GRCh37 (hg19) VCF-style: chr17-63526197-T-C.
Other names: c.2234A>G, p.Asp745Gly (NM_001363813.1); short protein forms D745G, D810G.
Identifiers: ClinVar variation 3224401 (VCV003224401.1), dbSNP rs2043791307, ClinGen allele CA400674934.

ClinVar aggregate classification (germline): Uncertain significance (1 of 4 stars; one submission).

Conditions:
Hereditary cancer-predisposing syndrome. Also called: Tumor predisposition; Hereditary neoplastic syndrome; Hereditary Cancer Syndrome; Neoplastic Syndromes, Hereditary. Identifiers: Orphanet 140162, MedGen C0027672, MeSH D009386, MONDO:0015356.

gnomAD v4.1: 1 of 1,614,134 alleles (0.000062%); highest among the groups gnomAD compares: Non-Finnish European, 0.000085%; no homozygotes.

Submission:

Ambry Genetics
Classification: Uncertain significance for Hereditary cancer-predisposing syndrome. Last evaluated: 2023-11-10. Review status: criteria provided, single submitter. Criteria: Ambry Variant Classification Scheme 2023. Collection method: clinical testing. Allele origin: germline.
Comment: The p.D810G variant (also known as c.2429A>G), located in coding exon 10 of the AXIN2 gene, results from an A to G substitution at nucleotide position 2429. The aspartic acid at codon 810 is replaced by glycine, an amino acid with similar properties. This amino acid position is conserved. In addition, the in silico prediction for this alteration is inconclusive. Since supporting evidence is limited at this time, the clinical significance of this alteration remains unclear.